The following is an entry in ClinVar:

ClinVar aggregate classification (germline): Likely pathogenic (1 of 4 stars; one submission).

Conditions:
Hydrocephalus, nonsyndromic, autosomal recessive 2. Also called: Hydrocephalus, congenital, 2, with or without brain or eye anomalies. Identifiers: Orphanet 2185, MedGen C3554691, MONDO:0014085, OMIM 615219.

Submission:

Juno Genomics, Hangzhou Juno Genomics, Inc
Classification: Likely pathogenic for Hydrocephalus, nonsyndromic, autosomal recessive 2. Review status: criteria provided, single submitter. Criteria: ACMG Guidelines, 2015. Collection method: clinical testing. Allele origin: germline.
Comment: Null variant in a gene where loss of function (LOF) is a known mechanism of disease.;Absent from controls (or at extremely low frequency if recessive) in Genome Aggregation Database.

NM_001378778.1(MPDZ):c.5907del (p.Gly1969_Leu1970insTer)

Gene: MPDZ (multiple PDZ domain crumbs cell polarity complex component; minus strand). Cytogenetic location: 9p23.
Variant type: Deletion.
Coding change: c.5907del on transcript NM_001378778.1 (MANE Select); coding-DNA position 5907, one base deleted (G; older notation c.5907delG).
Protein change: p.Gly1969_Leu1970insTer.
Molecular consequence: frameshift variant.
Genome position (GRCh38, 1-based): chr9:13,109,987, C deleted on the plus strand (G on the coding strand, the reverse complement: MPDZ is on the minus strand); the first of 3 consecutive C bases (chr9:13,109,987-13,109,989); deleting any one gives the same sequence. VCF-style (leftmost placement, unchanged base first): chr9-13109986-GC-G. GRCh37 (hg19) VCF-style: chr9-13109985-GC-G.
Other names: c.5808del, p.Gly1936_Leu1937insTer (NM_001261406.2, NM_001375416.1, NM_001375417.1 and 1 more transcripts); c.5721del, p.Gly1907_Leu1908insTer (NM_001261407.2, NM_001375419.1); c.5907del, p.Gly1969_Leu1970insTer (NM_001330637.2); c.6006del, p.Gly2002_Leu2003insTer (NM_001375413.1); c.5697del, p.Gly1899_Leu1900insTer (NM_001375420.1, NM_001375421.1, NM_001375422.1 and 2 more transcripts); c.5610del, p.Gly1870_Leu1871insTer (NM_001375425.1, NM_001375426.1); c.5499del, p.Gly1833_Leu1834insTer (NM_001375427.1); c.5820del, p.Gly1940_Leu1941insTer (NM_003829.5).
Identifiers: ClinVar variation 5007404 (VCV005007404.2).
Genomic context (GRCh38, chr9:13,109,986, plus strand): 5'-ACACTAATCATCATGTATGAACTCACCCTAAATCATCCTGAAATATACTGCTTGACGTCA[GC>G]CCAGTGAAAGAAAGACTGGAACTTGCAGGCTCCTGCTGATGACCTGTGACCACACTCACG-3'